The following is an entry in ClinVar:

ClinVar aggregate classification (germline): Uncertain significance. Review status: criteria provided, multiple submitters, no conflicts (2 of 4 stars). 4 submissions from 4 submitters: Uncertain significance (4). Last evaluated 2025-06-30.

Conditions:
Familial porphyria cutanea tarda (PCT). Also called: PCT, TYPE II; PORPHYRIA CUTANEA TARDA, TYPE II; PORPHYRIA, HEPATOCUTANEOUS TYPE; UROD DEFICIENCY; UROPORPHYRINOGEN DECARBOXYLASE DEFICIENCY; PCT, ''FAMILIAL'' TYPE. Identifiers: Orphanet 101330, Orphanet 443062, MedGen C0268323, MONDO:0008296, OMIM 176100.

Allele frequency attached by ClinVar (database versions not stated): TOPMed 0.00005; gnomAD 0.00006; gnomAD exomes 0.00006; ExAC 0.00008; ESP Exome Variant Server 0.00015.

Submissions (4):

Women's Health and Genetics/Laboratory Corporation of America, LabCorp
Classification: Uncertain significance. Last evaluated: 2025-06-30. Review status: criteria provided, single submitter. Criteria: LabCorp Variant Classification Summary - May 2015. Collection method: clinical testing. Allele origin: germline.
Comment: Variant summary: UROD c.27G>C (p.Gln9His) results in a non-conservative amino acid change in the encoded protein sequence. Algorithms developed to predict the effect of missense changes on protein structure and function are either unavailable or do not agree on the potential impact of this missense change. The variant allele was found at a frequency of 6.4e-05 in 251066 control chromosomes. This frequency is not significantly higher than estimated for a pathogenic variant in UROD causing UROD-Related Disorders, allowing no conclusion about variant significance. c.27G>C has been observed in individual(s) affected with Porphyria cutanea tarda (Veiss_2019). These report(s) do not provide unequivocal conclusions about association of the variant with UROD-Related Disorders. To our knowledge, no experimental evidence demonstrating an impact on protein function has been reported. The following publication have been ascertained in the context of this evaluation (PMID: 30514647). ClinVar contains an entry for this variant (Variation ID: 874337). Based on the evidence outlined above, the variant was classified as uncertain significance.

Labcorp Genetics (formerly Invitae), Labcorp
Classification: Uncertain significance. Last evaluated: 2024-03-14. Review status: criteria provided, single submitter. Criteria: Invitae Variant Classification Sherloc (09022015). Collection method: clinical testing. Allele origin: germline.
Comment: This sequence change replaces glutamine, which is neutral and polar, with histidine, which is basic and polar, at codon 9 of the UROD protein (p.Gln9His). This variant is present in population databases (rs150027651, gnomAD 0.009%). This missense change has been observed in individual(s) with porphyria cutanea tarda (PMID: 30514647). ClinVar contains an entry for this variant (Variation ID: 874337). An algorithm developed to predict the effect of missense changes on protein structure and function (PolyPhen-2) suggests that this variant is likely to be tolerated. Algorithms developed to predict the effect of sequence changes on RNA splicing suggest that this variant may create or strengthen a splice site. In summary, the available evidence is currently insufficient to determine the role of this variant in disease. Therefore, it has been classified as a Variant of Uncertain Significance.

Blueprint Genetics
Classification: Uncertain significance. Last evaluated: 2024-03-08. Review status: criteria provided, single submitter. Criteria: ACMG Guidelines, 2015. Collection method: clinical testing. Allele origin: germline.

Illumina Laboratory Services, Illumina
Classification: Uncertain significance for Familial porphyria cutanea tarda. Last evaluated: 2017-04-27. Review status: criteria provided, single submitter. Criteria: ICSL Variant Classification Criteria 13 December 2019. Collection method: clinical testing. Allele origin: germline.
Comment: This variant was observed as part of a predisposition screen in an ostensibly healthy population. A literature search was performed for the gene, cDNA change, and amino acid change (where applicable). Publications were found based on this search. However, the evidence from the literature, in combination with allele frequency data from public databases where available, was not sufficient to rule this variant in or out of causing disease. Therefore, this variant is classified as a variant of unknown significance.

Literature cited by the submitters: PubMed 30514647 (cited by Women's Health and Genetics/Laboratory Corporation of America, LabCorp and Labcorp Genetics (formerly Invitae), Labcorp); PubMed 24777812 (cited by Illumina Laboratory Services, Illumina).

NM_000374.5(UROD):c.27G>C (p.Gln9His)

Gene: UROD (uroporphyrinogen decarboxylase; plus strand). Cytogenetic location: 1p34.1.
Variant type: single nucleotide variant.
Coding change: c.27G>C on transcript NM_000374.5 (MANE Select); coding-DNA position 27, G replaced by C.
Protein change: p.Gln9His; replaces glutamine 9 with histidine.
Molecular consequence: missense variant. On other transcripts: non-coding transcript variant (3).
Genome position (GRCh38, 1-based): chr1:45,012,913, G>C. VCF-style: chr1-45012913-G-C. GRCh37 (hg19) VCF-style: chr1-45478585-G-C.
Other names: short protein forms Q9H.
Identifiers: ClinVar variation 874337 (VCV000874337.9), dbSNP rs150027651, ClinGen allele CA825116.